The following is an entry in ClinVar:

ClinVar aggregate classification (germline): Likely benign. Review status: criteria provided, single submitter (1 of 4 stars). 2 submissions from 2 submitters: Likely benign (1). 1 of the submissions does not count toward it. Last evaluated 2026-01-19.

Conditions:
Idiopathic generalized epilepsy. Also called: EIG; Generalised epilepsy. Identifiers: MedGen C0270850, MONDO:0005579, OMIM 600669.
GABRD-related disorder. Also called: GABRD-related condition.

Allele frequency attached by ClinVar (database versions not stated): ExAC 0.00017; ESP Exome Variant Server 0.00031; TOPMed 0.00046; gnomAD 0.00048 and 0.00052; 1000 Genomes Project 30x 0.00094; 1000 Genomes Project 0.00100.
gnomAD v4.1: 147 of 1,612,320 alleles (0.0091%); highest among the groups gnomAD compares: African/African-American, 0.16%; no homozygotes.

Submissions (2):

Labcorp Genetics (formerly Invitae), Labcorp
Classification: Likely benign for Idiopathic generalized epilepsy. Last evaluated: 2026-01-19. Review status: criteria provided, single submitter. Criteria: Invitae Variant Classification Sherloc (09022015). Collection method: clinical testing. Allele origin: germline.

PreventionGenetics, part of Exact Sciences
Classification: Likely benign for GABRD-related condition. Last evaluated: 2024-03-21. Review status: no assertion criteria provided. Collection method: clinical testing. Allele origin: germline. Not counted in ClinVar's aggregate classification.
Comment: This variant is classified as likely benign based on ACMG/AMP sequence variant interpretation guidelines (Richards et al. 2015 PMID: 25741868, with internal and published modifications).

NM_000815.5(GABRD):c.577G>A (p.Val193Ile)

Gene: GABRD (gamma-aminobutyric acid type A receptor subunit delta; plus strand). Cytogenetic location: 1p36.33.
Variant type: single nucleotide variant.
Coding change: c.577G>A on transcript NM_000815.5 (MANE Select); coding-DNA position 577, G replaced by A.
Protein change: p.Val193Ile; replaces valine 193 with isoleucine.
Molecular consequence: missense variant.
Genome position (GRCh38, 1-based): chr1:2,028,178, G>A. VCF-style: chr1-2028178-G-A. GRCh37 (hg19) VCF-style: chr1-1959617-G-A.
Other names: short protein forms V193I.
Identifiers: ClinVar variation 574644 (VCV000574644.13), dbSNP rs143115257, ClinGen allele CA534721.